The following is an entry in ClinVar:

NM_032608.7(MYO18B):c.4654_4655delinsTT (p.Glu1552Leu)

Genes: MYO18B (myosin XVIIIB; plus strand), MYO18B-AS1 (MYO18B antisense RNA 1; minus strand). Cytogenetic location: 22q12.1.
Variant type: Indel.
Coding change: c.4654_4655delinsTT on transcript NM_032608.7 (MANE Select); coding-DNA positions 4654 to 4655, GA replaced by TT.
Protein change: p.Glu1552Leu; replaces glutamic acid 1552 with leucine.
Molecular consequence: missense variant.
Genome position (GRCh38, 1-based): chr22:25,895,266-25,895,267, GA replaced by TT. VCF-style: chr22-25895266-GA-TT. GRCh37 (hg19) VCF-style: chr22-26291233-GA-TT.
Other names: c.4657_4658delinsTT, p.Glu1553Leu (NM_001318245.2); short protein forms E1553L, E1552L.
Identifiers: ClinVar variation 2134791 (VCV002134791.4), dbSNP rs2517817783, ClinGen allele CA2580099302.

ClinVar aggregate classification (germline): Uncertain significance (1 of 4 stars; one submission).

Submission:

Labcorp Genetics (formerly Invitae), Labcorp
Classification: Uncertain significance. Last evaluated: 2022-07-15. Review status: criteria provided, single submitter. Criteria: Invitae Variant Classification Sherloc (09022015). Collection method: clinical testing. Allele origin: germline.
Comment: In summary, the available evidence is currently insufficient to determine the role of this variant in disease. Therefore, it has been classified as a Variant of Uncertain Significance. Algorithms developed to predict the effect of missense changes on protein structure and function are either unavailable or do not agree on the potential impact of this missense change (SIFT: "Not Available"; PolyPhen-2: "Possibly Damaging"; Align-GVGD: "Not Available"). This variant has not been reported in the literature in individuals affected with MYO18B-related conditions. Information on the frequency of this variant in the gnomAD database is not available, as this variant may be reported differently in the database. This sequence change replaces glutamic acid, which is acidic and polar, with leucine, which is neutral and non-polar, at codon 1552 of the MYO18B protein (p.Glu1552Leu).